The following is an entry in ClinVar:

ClinVar aggregate classification (germline): Likely benign (1 of 4 stars; one submission).

Conditions:
DNAJC3-related disorder. Also called: DNAJC3-related condition.

gnomAD v4.1: 114 of 1,603,922 alleles (0.0071%); highest among the groups gnomAD compares: Middle Eastern, 0.017%; no homozygotes.

Submission:

PreventionGenetics, part of Exact Sciences
Classification: Likely benign for DNAJC3-related condition. Last evaluated: 2025-04-14. Review status: criteria provided, single submitter. Criteria: ACMG Guidelines, 2015. Collection method: clinical testing. Allele origin: germline.
Comment: This variant is classified as likely benign based on ACMG/AMP sequence variant interpretation guidelines (Richards et al. 2015 PMID: 25741868, with internal and published modifications).

NM_006260.5(DNAJC3):c.1194C>T (p.Ile398=)

Gene: DNAJC3 (DnaJ heat shock protein family (Hsp40) member C3; plus strand). Cytogenetic location: 13q32.1.
Variant type: single nucleotide variant.
Coding change: c.1194C>T on transcript NM_006260.5 (MANE Select); coding-DNA position 1194, C replaced by T.
Protein change: p.Ile398=; no amino-acid change (isoleucine 398 retained).
Molecular consequence: synonymous variant.
Genome position (GRCh38, 1-based): chr13:95,786,057, C>T. VCF-style: chr13-95786057-C-T. GRCh37 (hg19) VCF-style: chr13-96438311-C-T.
Identifiers: ClinVar variation 4980365 (VCV004980365.1).